The following is an entry in ClinVar:

ClinVar aggregate classification (germline): Pathogenic (1 of 4 stars; one submission).

Conditions:
Fabry disease. Also called: ALPHA-GALACTOSIDASE A DEFICIENCY; ANDERSON-FABRY DISEASE; CERAMIDE TRIHEXOSIDASE DEFICIENCY; GLA DEFICIENCY; HEREDITARY DYSTOPIC LIPIDOSIS; Angiokeratoma corporis diffusum. Identifiers: Orphanet 324, MedGen C0002986, MONDO:0010526, OMIM 301500, HP:0001071. Disease mechanism: Fabry disease is due to inactivating mutations in the X-linked GLA gene resulting in deficiency of the enzyme Alpha Galactosidase-A., loss of function.

Submission:

Genomenon, Inc
Classification: Pathogenic for Fabry disease. Last evaluated: 2026-09-08. Review status: criteria provided, single submitter. Criteria: Genomenon Sequence Variant Interpretation Standards - Updated. Collection method: curation. Allele origin: germline. Affected: yes.
Comment: GLA c.547+395G>C is an intronic variant located in intron 3. This variant has been observed in at least one proband with clinical features consistent with Fabry disease (PMID:27255140). The variant was found to segregate with disease in at least one affected family (PMID:27255140). At least one splicing study has demonstrated that this variant results in aberrant splicing (PMID:27255140;37254000). It is absent or not present at a significant frequency in gnomAD. In conclusion, we classify GLA c.547+395G>C as a pathogenic variant.

Literature cited by the submitters: PubMed 27255140; PubMed 37254000.

NM_000169.3(GLA):c.547+395G>C

Genes: GLA (galactosidase alpha; minus strand), RPL36A-HNRNPH2 (RPL36A-HNRNPH2 readthrough; plus strand). Cytogenetic location: Xq22.1.
Variant type: single nucleotide variant.
Coding change: c.547+395G>C on transcript NM_000169.3 (MANE Select); 395 bases into the intron after coding-DNA position 547, G replaced by C.
Molecular consequence: intron variant. On other transcripts: 3 prime UTR variant (1), non-coding transcript variant (1).
Genome position (GRCh38, 1-based): chrX:101,401,237, C>G on the plus strand (G>C on the coding strand, the complement: GLA is on the minus strand). VCF-style: chrX-101401237-C-G. GRCh37 (hg19) VCF-style: chrX-100656225-C-G.
Other names: c.*306G>C (NM_001406749.1); c.300+5780C>G (NM_001199973.2); c.177+9415C>G (NM_001199974.2); c.670+395G>C (NM_001406747.1); c.547+395G>C (NM_001406748.1).
Identifiers: ClinVar variation 4087107 (VCV004087107.2).